The following is an entry in ClinVar:

ClinVar aggregate classification (germline): Pathogenic/Likely pathogenic. Review status: criteria provided, multiple submitters, no conflicts (2 of 4 stars). 7 submissions from 7 submitters: Pathogenic (3); Likely pathogenic (1). 3 of the submissions do not count toward it. Last evaluated 2025-10-04.

Conditions:
CRYGD-related disorders.
CRYGD-related disorder. Also called: CRYGD-related condition.
Aculeiform cataract (CTRCT4). Also called: Fasciculiform cataract; Frosted cataract; Needle-shaped cataract. Identifiers: MedGen C1861832, HP:0010926.
Cataract 4 multiple types. Also called: CATARACT 4, PUNCTATE; CATARACT 4, CRYSTALLINE; CATARACT 4, CENTRAL NUCLEAR; CATARACT 4, NONNUCLEAR POLYMORPHIC CONGENITAL; CATARACT 4, ACULEIFORM; CATARACT 4, MULTIPLE TYPES, WITH OR WITHOUT MICROCORNEA. Identifiers: Orphanet 1377, MedGen C3540850, MONDO:0007281, OMIM 115700.
Developmental cataract. Also called: Bilateral cataracts; Congenital cataracts; Congenital cataract. Identifiers: MedGen C0009691, HP:0000519.

Allele frequency attached by ClinVar (database versions not stated): gnomAD exomes below 0.00001.

Submissions (7):

GeneDx
Classification: Pathogenic. Last evaluated: 2025-10-04. Review status: criteria provided, single submitter. Criteria: GeneDx Variant Classification Process June 2021. Collection method: clinical testing. Allele origin: germline. Affected: yes.
Comment: Published functional studies suggest this variant (described as P23T) causes misfolding and protein aggregation (PMID: 22520268); Not observed at significant frequency in large population cohorts (gnomAD); In silico analysis suggests that this missense variant does not alter protein structure/function; This variant is associated with the following publications: (PMID: 19275895, 23141511, 25403472, 26694549, 29914532, 29652984, 19218553, 12011157, 19216553, 20553008, 21827768, 23670788, 28474685, 23936409, 15709761, 22669729, 32148946, 32830442, 12676897, 28450710, 33510601, 31523120, 34150533, 14767902, 19668596, 35222542, 26732753, 37480084, 34169787, 38840272, 32883240, 34671977, 37337769, 36729443, 22520268)

Labcorp Genetics (formerly Invitae), Labcorp
Classification: Pathogenic for Aculeiform cataract. Last evaluated: 2024-10-24. Review status: criteria provided, single submitter. Criteria: Invitae Variant Classification Sherloc (09022015). Collection method: clinical testing. Allele origin: germline.
Comment: This sequence change replaces proline, which is neutral and non-polar, with threonine, which is neutral and polar, at codon 24 of the CRYGD protein (p.Pro24Thr). The frequency data for this variant in the population databases is considered unreliable, as metrics indicate poor data quality at this position in the gnomAD database. This missense change has been observed in individuals with congenital cataracts (PMID: 25403472, 26694549). It has also been observed to segregate with disease in related individuals. This variant is also known as p.Pro23Thr. ClinVar contains an entry for this variant (Variation ID: 16940). An algorithm developed to predict the effect of missense changes on protein structure and function (PolyPhen-2) suggests that this variant is likely to be tolerated. Experimental studies have shown that this missense change affects CRYGD function (PMID: 21827768, 28474685). For these reasons, this variant has been classified as Pathogenic.

Molecular Medicine, University of Pavia
Classification: Likely pathogenic for Cataract 4 multiple types. Last evaluated: 2023-01-01. Review status: criteria provided, single submitter. Criteria: ACMG Guidelines, 2015. Collection method: research. Allele origin: de novo. Affected: yes. Observed: 1 variant allele.

Blueprint Genetics
Classification: Pathogenic for CRYGD-related disorders. Last evaluated: 2022-01-28. Review status: criteria provided, single submitter. Criteria: ACMG Guidelines, 2015. Collection method: clinical testing. Allele origin: germline. Affected: yes. Observed: 4 variant alleles.

PreventionGenetics, part of Exact Sciences
Classification: Pathogenic for CRYGD-related condition. Last evaluated: 2024-07-12. Review status: no assertion criteria provided. Collection method: clinical testing. Allele origin: germline. Not counted in ClinVar's aggregate classification.
Comment: The CRYGD c.70C>A variant is predicted to result in the amino acid substitution p.Pro24Thr. This variant, also described in the literature as P23T, has been reported in the heterozygous state in many individuals and families with cataracts (Family C87, Santhiya et al. 2002. PubMed ID: 12011157; Fan et al. 2020. PubMed ID: 32883240; Family A, Vanita. 2012. PubMed ID: 22669729; Liu et al. 2023. PubMed ID: 37337769). Functional studies have shown that this variants leads to lowered solubility of the protein, making it prone to aggregation (Banerjee et al. 2012. PubMed ID: 21827768; Boatz et al. 2017. PubMed ID: 28474685; Pande et al. 2010. PubMed ID: 20553008). This variant is reported in 0.0033% of alleles in individuals of South Asian descent in gnomAD. Of note, another variant impacting the same amino acid residue (p.Pro24Ser) has also been reported to segregate in a large family with cataracts (referred to as P23S, Plotnikova et al. 2007. PubMed ID: 17564961). Based on this evidence, we interpret the c.70C>A (p.Pro24Thr) variant as pathogenic.

Eye Genetics Research Group, Children's Medical Research Institute
Classification: Pathogenic for Developmental cataract. Last evaluated: 2015-01-09. Review status: no assertion criteria provided. Collection method: research. Allele origin: maternal. Affected: yes. Not counted in ClinVar's aggregate classification.

OMIM
Classification: Pathogenic for CATARACT 4, MULTIPLE TYPES. Last evaluated: 2007-09-01. Review status: no assertion criteria provided. Collection method: literature only. Allele origin: germline. Not counted in ClinVar's aggregate classification.

Literature cited by the submitters: PubMed 25403472 (cited by Labcorp Genetics (formerly Invitae), Labcorp); PubMed 26694549 (cited by Labcorp Genetics (formerly Invitae), Labcorp and Eye Genetics Research Group, Children's Medical Research Institute); PubMed 21827768 (cited by Labcorp Genetics (formerly Invitae), Labcorp); PubMed 28474685 (cited by Labcorp Genetics (formerly Invitae), Labcorp); PubMed 17724170 (cited by OMIM); PubMed 12011157 (cited by OMIM); PubMed 12676897 (cited by OMIM).

NM_006891.4(CRYGD):c.70C>A (p.Pro24Thr)

Genes: CRYGD (crystallin gamma D; minus strand), LOC100507443 (uncharacterized LOC100507443; plus strand). Cytogenetic location: 2q33.3.
Variant type: single nucleotide variant.
Coding change: c.70C>A on transcript NM_006891.4 (MANE Select); coding-DNA position 70, C replaced by A.
Protein change: p.Pro24Thr; replaces proline 24 with threonine.
Molecular consequence: missense variant.
Genome position (GRCh38, 1-based): chr2:208,124,294, G>T on the plus strand (C>A on the coding strand, the complement: CRYGD is on the minus strand). VCF-style: chr2-208124294-G-T. GRCh37 (hg19) VCF-style: chr2-208989018-G-T.
Other names: short protein forms P24T.
Identifiers: ClinVar variation 16940 (VCV000016940.43), dbSNP rs28931605, ClinGen allele CA214963.
Genomic context (GRCh38, chr2:208,124,294, plus strand): 5'-TCCAGCAGCCGCTGTCCACGCGCGCCGAGTTGCAGCGGCTCAAGTAGGGCTGCAGGTTGG[G>T]GTGGTCGCTGCTGCATTCATAGTGGCGGCCCTGGAAGCCCCGGTCCTCGTAGAGGGTGAT-3'
Protein context (NP_008822.2, residues 14-34): GRHYECSSDH[Pro24Thr]NLQPYLSRCN